The following is an entry in ClinVar:

ClinVar aggregate classification (germline): Uncertain significance (1 of 4 stars; one submission).

Conditions:
Hereditary cancer-predisposing syndrome. Also called: Neoplastic Syndromes, Hereditary; Tumor predisposition; Hereditary Cancer Syndrome; Hereditary neoplastic syndrome. Identifiers: Orphanet 140162, MedGen C0027672, MeSH D009386, MONDO:0015356.

Submission:

Ambry Genetics
Classification: Uncertain significance for Hereditary cancer-predisposing syndrome. Last evaluated: 2019-07-08. Review status: criteria provided, single submitter. Criteria: Ambry Variant Classification Scheme 2023. Collection method: clinical testing. Allele origin: germline.
Comment: The p.Q698H variant (also known as c.2094G>T), located in coding exon 4 of the MSH6 gene, results from a G to T substitution at nucleotide position 2094. The glutamine at codon 698 is replaced by histidine, an amino acid with highly similar properties. This amino acid position is well conserved in available vertebrate species. In addition, this alteration is predicted to be tolerated by in silico analysis. Since supporting evidence is limited at this time, the clinical significance of this alteration remains unclear.

NM_000179.3(MSH6):c.2094G>T (p.Gln698His)

Gene: MSH6 (mutS homolog 6; plus strand). Cytogenetic location: 2p16.3.
Variant type: single nucleotide variant.
Coding change: c.2094G>T on transcript NM_000179.3 (MANE Select); coding-DNA position 2094, G replaced by T.
Protein change: p.Gln698His; replaces glutamine 698 with histidine.
Molecular consequence: missense variant.
Genome position (GRCh38, 1-based): chr2:47,800,077, G>T. VCF-style: chr2-47800077-G-T. GRCh37 (hg19) VCF-style: chr2-48027216-G-T.
Other names: c.1704G>T, p.Gln568His (NM_001281492.2); c.1188G>T, p.Gln396His (NM_001281493.2, NM_001281494.2, NM_001406811.1 and 6 more transcripts); c.2190G>T, p.Gln730His (NM_001406795.1, NM_001406802.1); c.2094G>T, p.Gln698His (NM_001406796.1, NM_001406798.1, NM_001406800.1 and 3 more transcripts); c.1797G>T, p.Gln599His (NM_001406797.1, NM_001406801.1, NM_001406805.1 and 10 more transcripts); c.1569G>T, p.Gln523His (NM_001406799.1, NM_001406806.1, NM_001406807.1); c.2016G>T, p.Gln672His (NM_001406804.1); c.2100G>T, p.Gln700His (NM_001406813.1); and 1 more; short protein forms Q642H, Q698H, Q568H, Q672H, Q700H, Q523H, Q599H, Q730H.
Identifiers: ClinVar variation 1785775 (VCV001785775.2), dbSNP rs2104388398, ClinGen allele CA346750875.